The following is an entry in ClinVar:

ClinVar aggregate classification (germline): Uncertain significance. Review status: criteria provided, multiple submitters, no conflicts (2 of 4 stars). 2 submissions from 2 submitters: Uncertain significance (2). Last evaluated 2024-04-18.

Conditions:
Neurofibromatosis, type 2 (SWNV). Also called: BILATERAL ACOUSTIC NEUROFIBROMATOSIS; NF2-Related Schwannomatosis; SCHWANNOMATOSIS, VESTIBULAR. Identifiers: Orphanet 637, MedGen C0027832, MONDO:0007039, OMIM 101000. Disease mechanism: loss of function.
Hereditary cancer-predisposing syndrome. Also called: Tumor predisposition; Hereditary neoplastic syndrome; Hereditary Cancer Syndrome; Neoplastic Syndromes, Hereditary. Identifiers: Orphanet 140162, MedGen C0027672, MeSH D009386, MONDO:0015356.

Submissions (2):

Ambry Genetics
Classification: Uncertain significance for Hereditary cancer-predisposing syndrome. Last evaluated: 2024-04-18. Review status: criteria provided, single submitter. Criteria: Ambry Variant Classification Scheme 2023. Collection method: clinical testing. Allele origin: germline.
Comment: The p.P492R variant (also known as c.1475C>G), located in coding exon 14 of the NF2 gene, results from a C to G substitution at nucleotide position 1475. The proline at codon 492 is replaced by arginine, an amino acid with dissimilar properties. This amino acid position is conserved. In addition, the in silico prediction for this alteration is inconclusive. Based on the available evidence, the clinical significance of this variant remains unclear.

Labcorp Genetics (formerly Invitae), Labcorp
Classification: Uncertain significance for Neurofibromatosis, type 2. Last evaluated: 2023-04-17. Review status: criteria provided, single submitter. Criteria: Invitae Variant Classification Sherloc (09022015). Collection method: clinical testing. Allele origin: germline.
Comment: Advanced modeling of protein sequence and biophysical properties (such as structural, functional, and spatial information, amino acid conservation, physicochemical variation, residue mobility, and thermodynamic stability) performed at Invitae indicates that this missense variant is not expected to disrupt NF2 protein function. This variant has not been reported in the literature in individuals affected with NF2-related conditions. This variant is not present in population databases (gnomAD no frequency). This sequence change replaces proline, which is neutral and non-polar, with arginine, which is basic and polar, at codon 492 of the NF2 protein (p.Pro492Arg). In summary, the available evidence is currently insufficient to determine the role of this variant in disease. Therefore, it has been classified as a Variant of Uncertain Significance.

NM_000268.4(NF2):c.1475C>G (p.Pro492Arg)

Gene: NF2 (NF2, moesin-ezrin-radixin like (MERLIN) tumor suppressor; plus strand). Cytogenetic location: 22q12.2.
Variant type: single nucleotide variant.
Coding change: c.1475C>G on transcript NM_000268.4 (MANE Select); coding-DNA position 1475, C replaced by G.
Protein change: p.Pro492Arg; replaces proline 492 with arginine.
Molecular consequence: missense variant. On other transcripts: non-coding transcript variant (1), intron variant (1).
Genome position (GRCh38, 1-based): chr22:29,678,224, C>G. VCF-style: chr22-29678224-C-G. GRCh37 (hg19) VCF-style: chr22-30074213-C-G.
Other names: c.1361C>G, p.Pro454Arg (NM_001407053.1, NM_001407056.1); c.1352C>G, p.Pro451Arg (NM_001407054.1, NM_001407058.1, NM_181829.3); c.1349C>G, p.Pro450Arg (NM_001407055.1, NM_181828.3); c.1340C>G, p.Pro447Arg (NM_001407057.1, NM_001407059.1); c.1475C>G, p.Pro492Arg (NM_001407060.1, NM_001407066.1, NM_016418.5 and 2 more transcripts); c.1217C>G, p.Pro406Arg (NM_001407062.1); c.1226C>G, p.Pro409Arg (NM_001407063.1, NM_001407064.1, NM_181830.3 and 1 more transcripts); c.941C>G, p.Pro314Arg (NM_001407065.1); and 2 more; short protein forms P415R, P406R, P447R, P492R, P314R, P451R, P454R, P409R.
Identifiers: ClinVar variation 2856980 (VCV002856980.4), dbSNP rs2518711959, ClinGen allele CA411149593.
Genomic context (GRCh38, chr22:29,678,224, plus strand): 5'-CAAGCTCCTAATCCGAAATTTCTCATTAACAGCCCATGAACCCAATTCCAGCACCGTTGC[C>G]TCCTGACATACCAAGCTTCAACCTCATTGGTGACAGCCTGTCTTTCGACTTCAAAGATAC-3'
Protein context (NP_000259.1, residues 482-502): PPMNPIPAPL[Pro492Arg]PDIPSFNLIG